The following is an entry in ClinVar:

ClinVar aggregate classification (germline): Benign (1 of 4 stars; one submission).

Allele frequency attached by ClinVar (database versions not stated): gnomAD exomes 0.73214; gnomAD 0.79037 and 0.79481; TOPMed 0.80180; 1000 Genomes Project 0.80731; 1000 Genomes Project 30x 0.81137.
gnomAD v4.1: 562,518 of 755,726 alleles (74%); highest among the groups gnomAD compares: African/African-American, 93%; 211,252 homozygotes.

Submission:

GeneDx
Classification: Benign. Last evaluated: 2018-06-14. Review status: criteria provided, single submitter. Criteria: GeneDx Variant Classification (06012015). Collection method: clinical testing. Allele origin: germline. Affected: yes.
Comment: This variant is considered likely benign or benign based on one or more of the following criteria: it is a conservative change, it occurs at a poorly conserved position in the protein, it is predicted to be benign by multiple in silico algorithms, and/or has population frequency not consistent with disease.

NM_015915.5(ATL1):c.574-132G>A

Gene: ATL1 (atlastin GTPase 1; plus strand). Cytogenetic location: 14q22.1.
Variant type: single nucleotide variant.
Coding change: c.574-132G>A on transcript NM_015915.5 (MANE Select); 132 bases into the intron before coding-DNA position 574, G replaced by A.
Molecular consequence: intron variant.
Genome position (GRCh38, 1-based): chr14:50,595,444, G>A. VCF-style: chr14-50595444-G-A. GRCh37 (hg19) VCF-style: chr14-51062162-G-A.
Other names: c.574-132G>A (NM_001127713.1, NM_181598.4).
Identifiers: ClinVar variation 670498 (VCV000670498.1), dbSNP rs3015455, ClinGen allele CA15803450.
Genomic context (GRCh38, chr14:50,595,444, plus strand): 5'-GGCTCTGCTTTACCTATCCAATGCTTATTTCCTAAAAATGATTATTAGAATCTTCTTAAT[G>A]TAATATTCTGTTATACCTAGAGGGAAAAGTAAATGAAAGAAAGCCAAGAATTAAAACTTT-3'